The following is an entry in ClinVar:

ClinVar aggregate classification (germline): Uncertain significance. Review status: criteria provided, multiple submitters, no conflicts (2 of 4 stars). 2 submissions from 2 submitters: Uncertain significance (2). Last evaluated 2024-11-05.

Conditions:
Inborn genetic diseases. Identifiers: MedGen C0950123, MeSH D030342.

Allele frequency attached by ClinVar (database versions not stated): ExAC 0.00001; gnomAD exomes 0.00001; gnomAD 0.00004; TOPMed 0.00005.
gnomAD v4.1: 16 of 1,613,924 alleles (0.00099%); highest among the groups gnomAD compares: African/African-American, 0.02%; no homozygotes.

Submissions (2):

Labcorp Genetics (formerly Invitae), Labcorp
Classification: Uncertain significance. Last evaluated: 2024-11-05. Review status: criteria provided, single submitter. Criteria: Invitae Variant Classification Sherloc (09022015). Collection method: clinical testing. Allele origin: germline.
Comment: This sequence change replaces asparagine, which is neutral and polar, with lysine, which is basic and polar, at codon 803 of the ASXL2 protein (p.Asn803Lys). This variant is present in population databases (rs531518064, gnomAD 0.02%). This variant has not been reported in the literature in individuals affected with ASXL2-related conditions. ClinVar contains an entry for this variant (Variation ID: 1985104). Invitae Evidence Modeling of protein sequence and biophysical properties (such as structural, functional, and spatial information, amino acid conservation, physicochemical variation, residue mobility, and thermodynamic stability) indicates that this missense variant is not expected to disrupt ASXL2 protein function with a negative predictive value of 80%. In summary, the available evidence is currently insufficient to determine the role of this variant in disease. Therefore, it has been classified as a Variant of Uncertain Significance.

Ambry Genetics
Classification: Uncertain significance for Inborn genetic diseases. Last evaluated: 2023-02-06. Review status: criteria provided, single submitter. Criteria: Ambry General Variant Classification Scheme_2022. Collection method: clinical testing. Allele origin: germline.

NM_018263.6(ASXL2):c.2409T>A (p.Asn803Lys)

Gene: ASXL2 (ASXL transcriptional regulator 2; minus strand). Cytogenetic location: 2p23.3.
Variant type: single nucleotide variant.
Coding change: c.2409T>A on transcript NM_018263.6 (MANE Select); coding-DNA position 2409, T replaced by A.
Protein change: p.Asn803Lys; replaces asparagine 803 with lysine.
Molecular consequence: missense variant.
Genome position (GRCh38, 1-based): chr2:25,743,928, A>T on the plus strand (T>A on the coding strand, the complement: ASXL2 is on the minus strand). VCF-style: chr2-25743928-A-T. GRCh37 (hg19) VCF-style: chr2-25966797-A-T.
Other names: c.2409T>A (NM_018263.4); c.2235T>A, p.Asn745Lys (NM_001369346.1); c.1629T>A, p.Asn543Lys (NM_001369347.1); short protein forms N745K, N803K, N543K.
Identifiers: ClinVar variation 1985104 (VCV001985104.5), dbSNP rs531518064, ClinGen allele CA1557635.